The following is an entry in ClinVar:

NM_001849.4(COL6A2):c.1202C>A (p.Ala401Asp)

Gene: COL6A2 (collagen type VI alpha 2 chain; plus strand). Cytogenetic location: 21q22.3.
Variant type: single nucleotide variant.
Coding change: c.1202C>A on transcript NM_001849.4 (MANE Select); coding-DNA position 1202, C replaced by A.
Protein change: p.Ala401Asp; replaces alanine 401 with aspartic acid.
Molecular consequence: missense variant.
Genome position (GRCh38, 1-based): chr21:46,119,052, C>A. VCF-style: chr21-46119052-C-A. GRCh37 (hg19) VCF-style: chr21-47538966-C-A.
Other names: c.1202C>A, p.Ala401Asp (NM_058174.3, NM_058175.3); short protein forms A401D.
Identifiers: ClinVar variation 2738159 (VCV002738159.3), dbSNP rs1450952977, ClinGen allele CA410529796.

ClinVar aggregate classification (germline): Uncertain significance (1 of 4 stars; one submission).

Conditions:
Bethlem myopathy 1A. Also called: Bethlem myopathy 1; Bethlem Muscular Dystrophy; MYOPATHY, BENIGN CONGENITAL, WITH CONTRACTURES. Identifiers: Orphanet 610, MedGen CN029274, MONDO:0024530, OMIM 158810.

Allele frequency attached by ClinVar (database versions not stated): TOPMed below 0.00001; gnomAD exomes 0.00001.
gnomAD v4.1: 9 of 1,612,058 alleles (0.00056%); highest among the groups gnomAD compares: East Asian, 0.0022%; no homozygotes.

Submission:

Labcorp Genetics (formerly Invitae), Labcorp
Classification: Uncertain significance for Bethlem myopathy 1A. Last evaluated: 2023-08-27. Review status: criteria provided, single submitter. Criteria: Invitae Variant Classification Sherloc (09022015). Collection method: clinical testing. Allele origin: germline.
Comment: In summary, the available evidence is currently insufficient to determine the role of this variant in disease. Therefore, it has been classified as a Variant of Uncertain Significance. Advanced modeling of protein sequence and biophysical properties (such as structural, functional, and spatial information, amino acid conservation, physicochemical variation, residue mobility, and thermodynamic stability) performed at Invitae indicates that this missense variant is not expected to disrupt COL6A2 protein function. This variant has not been reported in the literature in individuals affected with COL6A2-related conditions. The frequency data for this variant in the population databases is considered unreliable, as metrics indicate poor data quality at this position in the gnomAD database. This sequence change replaces alanine, which is neutral and non-polar, with aspartic acid, which is acidic and polar, at codon 401 of the COL6A2 protein (p.Ala401Asp).